The following is an entry in ClinVar:

ClinVar aggregate classification (germline): Uncertain significance (1 of 4 stars; one submission).

Allele frequency attached by ClinVar (database versions not stated): gnomAD exomes below 0.00001 and 0.00001.
gnomAD v4.1: 2 of 1,544,878 alleles (0.00013%); no homozygotes.

Submission:

Labcorp Genetics (formerly Invitae), Labcorp
Classification: Uncertain significance. Last evaluated: 2023-08-04. Review status: criteria provided, single submitter. Criteria: Invitae Variant Classification Sherloc (09022015). Collection method: clinical testing. Allele origin: germline.
Comment: This sequence change replaces cysteine, which is neutral and slightly polar, with tyrosine, which is neutral and polar, at codon 837 of the CPLANE1 protein (p.Cys837Tyr). This variant is present in population databases (no rsID available, gnomAD 0.006%). This variant has not been reported in the literature in individuals affected with CPLANE1-related conditions. ClinVar contains an entry for this variant (Variation ID: 1398611). Advanced modeling of protein sequence and biophysical properties (such as structural, functional, and spatial information, amino acid conservation, physicochemical variation, residue mobility, and thermodynamic stability) performed at Invitae indicates that this missense variant is not expected to disrupt CPLANE1 protein function. In summary, the available evidence is currently insufficient to determine the role of this variant in disease. Therefore, it has been classified as a Variant of Uncertain Significance.

NM_001384732.1(CPLANE1):c.2510G>A (p.Cys837Tyr)

Gene: CPLANE1 (ciliogenesis and planar polarity effector complex subunit 1; minus strand). Cytogenetic location: 5p13.2.
Variant type: single nucleotide variant.
Coding change: c.2510G>A on transcript NM_001384732.1 (MANE Select); coding-DNA position 2510, G replaced by A.
Protein change: p.Cys837Tyr; replaces cysteine 837 with tyrosine.
Molecular consequence: missense variant.
Genome position (GRCh38, 1-based): chr5:37,224,324, C>T on the plus strand (G>A on the coding strand, the complement: CPLANE1 is on the minus strand). VCF-style: chr5-37224324-C-T. GRCh37 (hg19) VCF-style: chr5-37224426-C-T.
Other names: c.2510G>A, p.Cys837Tyr (NM_023073.4); short protein forms C837Y.
Identifiers: ClinVar variation 1398611 (VCV001398611.8), dbSNP rs1264537897, ClinGen allele CA359492302.